The following is an entry in ClinVar:

NM_005157.6(ABL1):c.3073G>A (p.Gly1025Ser)

Gene: ABL1 (ABL proto-oncogene 1, non-receptor tyrosine kinase; plus strand). Cytogenetic location: 9q34.12.
Variant type: single nucleotide variant.
Coding change: c.3073G>A on transcript NM_005157.6 (MANE Select); coding-DNA position 3073, G replaced by A.
Protein change: p.Gly1025Ser; replaces glycine 1025 with serine.
Molecular consequence: missense variant.
Genome position (GRCh38, 1-based): chr9:130,885,363, G>A. VCF-style: chr9-130885363-G-A. GRCh37 (hg19) VCF-style: chr9-133760750-G-A.
Other names: c.3130G>A, p.Gly1044Ser (NM_007313.3); c.3130G>A (NM_007313.2); short protein forms G1025S, G1044S.
Identifiers: ClinVar variation 1921705 (VCV001921705.23), dbSNP rs764616226, ClinGen allele CA5285854.

ClinVar aggregate classification (germline): Likely benign. Review status: criteria provided, multiple submitters, no conflicts (2 of 4 stars). 3 submissions from 3 submitters: Likely benign (3). Last evaluated 2026-01-20.

Conditions:
Inborn genetic diseases. Identifiers: MedGen C0950123, MeSH D030342.

Allele frequency attached by ClinVar (database versions not stated): gnomAD 0.00001; gnomAD exomes 0.00002; TOPMed 0.00002; ExAC 0.00003.
gnomAD v4.1: 31 of 1,613,482 alleles (0.0019%); highest among the groups gnomAD compares: East Asian, 0.0067%; no homozygotes.

Submissions (3):

Labcorp Genetics (formerly Invitae), Labcorp
Classification: Likely benign. Last evaluated: 2026-01-20. Review status: criteria provided, single submitter. Criteria: Invitae Variant Classification Sherloc (09022015). Collection method: clinical testing. Allele origin: germline.

CeGaT Center for Human Genetics Tuebingen
Classification: Likely benign. Last evaluated: 2024-08-01. Review status: criteria provided, single submitter. Criteria: CeGaT Center For Human Genetics Tuebingen Variant Classification Criteria Version 2. Collection method: clinical testing. Allele origin: germline. Affected: yes. Observed: 1 variant allele.
Comment: ABL1: BP4, BS2

Ambry Genetics
Classification: Likely benign for Inborn genetic diseases. Last evaluated: 2023-08-10. Review status: criteria provided, single submitter. Criteria: Ambry Variant Classification Scheme 2023. Collection method: clinical testing. Allele origin: germline.